The following is an entry in ClinVar:

ClinVar aggregate classification (germline): Uncertain significance (1 of 4 stars; one submission).

Conditions:
GRN-related frontotemporal lobar degeneration with Tdp43 inclusions (FTD2). Also called: DEMENTIA, HEREDITARY DYSPHASIC DISINHIBITION; FRONTOTEMPORAL LOBAR DEGENERATION WITH UBIQUITIN-POSITIVE INCLUSIONS; FTLD-TDP, GRN-RELATED; FRONTOTEMPORAL DEMENTIA WITH TDP43 INCLUSIONS, GRN-RELATED; GRN Frontotemporal Dementia. Identifiers: Orphanet 100070, Orphanet 282, MedGen C1843792, MONDO:0011842, OMIM 607485. Disease mechanism: loss of function.
Neuronal ceroid lipofuscinosis 11. Also called: GRN-Related Neuronal Ceroid-Lipofuscinosis. Identifiers: Orphanet 314629, Orphanet 79262, MedGen C3539123, MONDO:0013866, OMIM 614706.

Submission:

Labcorp Genetics (formerly Invitae), Labcorp
Classification: Uncertain significance for Neuronal ceroid lipofuscinosis 11; GRN-related frontotemporal lobar degeneration with Tdp43 inclusions. Last evaluated: 2024-02-24. Review status: criteria provided, single submitter. Criteria: Invitae Variant Classification Sherloc (09022015). Collection method: clinical testing. Allele origin: germline.
Comment: This sequence change replaces threonine, which is neutral and polar, with serine, which is neutral and polar, at codon 3 of the GRN protein (p.Thr3Ser). This variant is not present in population databases (gnomAD no frequency). This variant has not been reported in the literature in individuals affected with GRN-related conditions. ClinVar contains an entry for this variant (Variation ID: 655044). An algorithm developed to predict the effect of missense changes on protein structure and function (PolyPhen-2) suggests that this variant is likely to be tolerated. In summary, the available evidence is currently insufficient to determine the role of this variant in disease. Therefore, it has been classified as a Variant of Uncertain Significance.

NM_002087.4(GRN):c.8C>G (p.Thr3Ser)

Gene: GRN (granulin precursor; plus strand). Cytogenetic location: 17q21.31.
Variant type: single nucleotide variant.
Coding change: c.8C>G on transcript NM_002087.4 (MANE Select); coding-DNA position 8, C replaced by G.
Protein change: p.Thr3Ser; replaces threonine 3 with serine.
Molecular consequence: missense variant.
Genome position (GRCh38, 1-based): chr17:44,349,172, C>G. VCF-style: chr17-44349172-C-G. GRCh37 (hg19) VCF-style: chr17-42426540-C-G.
Other names: short protein forms T3S.
Identifiers: ClinVar variation 655044 (VCV000655044.10), dbSNP rs375939802, ClinGen allele CA290922147.